The following is an entry in ClinVar:

NM_024426.6(WT1):c.1153C>T (p.Arg385Trp)

Gene: WT1 (WT1 transcription factor; minus strand). Cytogenetic location: 11p13.
Variant type: single nucleotide variant.
Coding change: c.1153C>T on transcript NM_024426.6 (MANE Select); coding-DNA position 1153, C replaced by T.
Protein change: p.Arg385Trp; replaces arginine 385 with tryptophan.
Molecular consequence: missense variant. On other transcripts: 5 prime UTR variant (1), non-coding transcript variant (1).
Genome position (GRCh38, 1-based): chr11:32,396,368, G>A on the plus strand (C>T on the coding strand, the complement: WT1 is on the minus strand). VCF-style: chr11-32396368-G-A. GRCh37 (hg19) VCF-style: chr11-32417914-G-A.
Other names: c.1102C>T, p.Arg368Trp (NM_000378.6, NM_001407045.1, NM_001407048.1 and 1 more transcripts); c.502C>T, p.Arg168Trp (NM_001198551.2); c.451C>T, p.Arg151Trp (NM_001198552.2); c.-36C>T (NM_001367854.1); c.1147C>T, p.Arg383Trp (NM_001407044.1); c.1153C>T, p.Arg385Trp (NM_001407046.1, NM_024424.5); c.1030C>T, p.Arg344Trp (NM_001407047.1); c.979C>T, p.Arg327Trp (NM_001407050.1); and 2 more; short protein forms R151W, R168W, R385W, R368W, R344W, R131W, R380W, R327W.
Identifiers: ClinVar variation 857667 (VCV000857667.10), dbSNP rs765218093, ClinGen allele CA064303.

ClinVar aggregate classification (germline): Uncertain significance. Review status: criteria provided, multiple submitters, no conflicts (2 of 4 stars). 2 submissions from 2 submitters: Uncertain significance (2). Last evaluated 2025-04-23.

Conditions:
Inborn genetic diseases. Identifiers: MedGen C0950123, MeSH D030342.
Drash syndrome (DDS). Also called: NEPHROPATHY, WILMS TUMOR, AND GENITAL ANOMALIES; WILMS TUMOR AND PSEUDO- OR TRUE HERMAPHRODITISM. Identifiers: Orphanet 220, MedGen C0950121, MONDO:0008682, OMIM 194080.
Frasier syndrome. Identifiers: Orphanet 347, MedGen C0950122, MeSH D052159, MONDO:0007635, OMIM 136680.
Wilms tumor 1 (WT1). Also called: Wilms tumor, somatic. Identifiers: Orphanet 654, MedGen CN033288, MONDO:0008679, OMIM 194070.
11p partial monosomy syndrome (WAGR). Also called: WAGR Spectrum Disorder; CHROMOSOME 11p13 DELETION SYNDROME; WAGR Complex; WAGR syndrome. Identifiers: Orphanet 893, MedGen C0206115, MONDO:0008681, OMIM 194072.

Allele frequency attached by ClinVar (database versions not stated): gnomAD exomes below 0.00001 and 0.00001; ExAC 0.00001.

Submissions (2):

Ambry Genetics
Classification: Uncertain significance for Inborn genetic diseases. Last evaluated: 2025-04-23. Review status: criteria provided, single submitter. Criteria: Ambry Variant Classification Scheme 2023. Collection method: clinical testing. Allele origin: germline.
Comment: The p.R380W variant (also known as c.1138C>T), located in coding exon 7 of the WT1 gene, results from a C to T substitution at nucleotide position 1138. The arginine at codon 380 is replaced by tryptophan, an amino acid with dissimilar properties. This amino acid position is well conserved in available vertebrate species. In addition, the in silico prediction for this alteration is inconclusive. Based on the available evidence, the clinical significance of this variant remains unclear.

Labcorp Genetics (formerly Invitae), Labcorp
Classification: Uncertain significance for Wilms tumor 1; Drash syndrome; 11p partial monosomy syndrome; Frasier syndrome. Last evaluated: 2023-11-15. Review status: criteria provided, single submitter. Criteria: Invitae Variant Classification Sherloc (09022015). Collection method: clinical testing. Allele origin: germline.
Comment: This sequence change replaces arginine, which is basic and polar, with tryptophan, which is neutral and slightly polar, at codon 380 of the WT1 protein (p.Arg380Trp). This variant is present in population databases (rs765218093, gnomAD 0.006%). This variant has not been reported in the literature in individuals affected with WT1-related conditions. ClinVar contains an entry for this variant (Variation ID: 857667). An algorithm developed to predict the effect of missense changes on protein structure and function (PolyPhen-2) suggests that this variant is likely to be disruptive. In summary, the available evidence is currently insufficient to determine the role of this variant in disease. Therefore, it has been classified as a Variant of Uncertain Significance.